The following is an entry in ClinVar:

ClinVar aggregate classification (germline): Pathogenic/Likely pathogenic. Review status: criteria provided, multiple submitters, no conflicts (2 of 4 stars). 4 submissions from 4 submitters: Pathogenic (2); Likely pathogenic (2). Last evaluated 2024-02-27.

Conditions:
Thrombophilia due to protein C deficiency, autosomal recessive. Also called: PROC DEFICIENCY, AUTOSOMAL RECESSIVE; PROTEIN C DEFICIENCY, AUTOSOMAL RECESSIVE. Identifiers: Orphanet 745, MedGen C2676759, MONDO:0012860, OMIM 612304.
Thrombophilia due to protein C deficiency, autosomal dominant. Also called: PROC DEFICIENCY, AUTOSOMAL DOMINANT; PROTEIN C DEFICIENCY, AUTOSOMAL DOMINANT. Identifiers: Orphanet 745, MedGen C2674321, MONDO:0008316, OMIM 176860. Disease mechanism: loss of function.

Allele frequency attached by ClinVar (database versions not stated): ExAC 0.00002; gnomAD exomes 0.00005.

Submissions (4):

Mayo Clinic Laboratories, Mayo Clinic
Classification: Pathogenic. Last evaluated: 2024-02-27. Review status: criteria provided, single submitter. Criteria: ACMG Guidelines, 2015. Collection method: clinical testing. Allele origin: germline. Observed: 1 variant allele.
Comment: PP1_strong, PM1_supporting, PM2_moderate, PM3_strong, PS3_supporting, PS4_moderate

Labcorp Genetics (formerly Invitae), Labcorp
Classification: Pathogenic for Thrombophilia due to protein C deficiency, autosomal dominant. Last evaluated: 2023-05-26. Review status: criteria provided, single submitter. Criteria: Invitae Variant Classification Sherloc (09022015). Collection method: clinical testing. Allele origin: germline.
Comment: Advanced modeling of protein sequence and biophysical properties (such as structural, functional, and spatial information, amino acid conservation, physicochemical variation, residue mobility, and thermodynamic stability) performed at Invitae indicates that this missense variant is not expected to disrupt PROC protein function. ClinVar contains an entry for this variant (Variation ID: 1394296). This variant is also known as F139V. This missense change has been observed in individuals with protein C deficiency (PMID: 8883262, 24103874, 24782131, 24911457, 25648792, 28111891). It has also been observed to segregate with disease in related individuals. This variant is present in population databases (rs199469470, gnomAD 0.07%). This sequence change replaces phenylalanine, which is neutral and non-polar, with valine, which is neutral and non-polar, at codon 181 of the PROC protein (p.Phe181Val). Experimental studies have shown that this missense change affects PROC function (PMID: 17649706). For these reasons, this variant has been classified as Pathogenic. Algorithms developed to predict the effect of sequence changes on RNA splicing suggest that this variant may create or strengthen a splice site.

Fulgent Genetics
Classification: Likely pathogenic for Thrombophilia due to protein C deficiency, autosomal dominant; Thrombophilia due to protein C deficiency, autosomal recessive. Last evaluated: 2021-07-27. Review status: criteria provided, single submitter. Criteria: ACMG Guidelines, 2015. Collection method: clinical testing. Allele origin: unknown.

Juno Genomics, Hangzhou Juno Genomics, Inc
Classification: Likely pathogenic for Thrombophilia due to protein C deficiency, autosomal dominant; Thrombophilia due to protein C deficiency, autosomal recessive. Review status: criteria provided, single submitter. Criteria: ACMG Guidelines, 2015. Collection method: clinical testing. Allele origin: germline.
Comment: Multiple lines of computational evidence support a deleterious effect on the gene or gene product.;For recessive disorders, detected in trans with a pathogenic variant.;The prevalence of the variant in affected individuals is significantly increased compared to the prevalence in controls.;Patient's phenotype or family history is highly specific for a disease with a single genetic etiology.

Literature cited by the submitters: PubMed 17649706 (cited by Mayo Clinic Laboratories, Mayo Clinic and Labcorp Genetics (formerly Invitae), Labcorp); PubMed 22545135 (cited by Mayo Clinic Laboratories, Mayo Clinic); PubMed 24103874 (cited by Mayo Clinic Laboratories, Mayo Clinic and Labcorp Genetics (formerly Invitae), Labcorp); PubMed 24782131 (cited by Mayo Clinic Laboratories, Mayo Clinic and Labcorp Genetics (formerly Invitae), Labcorp); PubMed 24911457 (cited by Mayo Clinic Laboratories, Mayo Clinic and Labcorp Genetics (formerly Invitae), Labcorp); PubMed 25648792 (cited by Mayo Clinic Laboratories, Mayo Clinic and Labcorp Genetics (formerly Invitae), Labcorp); PubMed 26103879 (cited by Mayo Clinic Laboratories, Mayo Clinic); PubMed 28111891 (cited by Mayo Clinic Laboratories, Mayo Clinic and Labcorp Genetics (formerly Invitae), Labcorp); PubMed 37950050 (cited by Mayo Clinic Laboratories, Mayo Clinic); PubMed 8883262 (cited by Mayo Clinic Laboratories, Mayo Clinic and Labcorp Genetics (formerly Invitae), Labcorp).

NM_000312.4(PROC):c.541T>G (p.Phe181Val)

Gene: PROC (protein C, inactivator of coagulation factors Va and VIIIa; plus strand). Cytogenetic location: 2q14.3.
Variant type: single nucleotide variant.
Coding change: c.541T>G on transcript NM_000312.4 (MANE Select); coding-DNA position 541, T replaced by G.
Protein change: p.Phe181Val; replaces phenylalanine 181 with valine.
Molecular consequence: missense variant.
Genome position (GRCh38, 1-based): chr2:127,426,090, T>G. VCF-style: chr2-127426090-T-G. GRCh37 (hg19) VCF-style: chr2-128183666-T-G.
Other names: p.Phe181Val; c.604T>G, p.Phe202Val (NM_001375604.1); c.643T>G, p.Phe215Val (NM_001375605.1); c.709T>G, p.Phe237Val (NM_001375606.1); c.727T>G, p.Phe243Val (NM_001375607.1); c.484T>G, p.Phe162Val (NM_001375608.1); c.517T>G, p.Phe173Val (NM_001375609.1); c.535T>G, p.Phe179Val (NM_001375610.1); and 4 more; short protein forms F202V, F179V, F215V, F236V, F237V, F162V, F173V, F243V.
Identifiers: ClinVar variation 1394296 (VCV001394296.12), dbSNP rs199469470, ClinGen allele CA1859385.